The following is an entry in ClinVar:

NM_001330078.2(NRXN1):c.4038G>C (p.Glu1346Asp)

Gene: NRXN1 (neurexin 1; minus strand). Cytogenetic location: 2p16.3.
Variant type: single nucleotide variant.
Coding change: c.4038G>C on transcript NM_001330078.2 (MANE Select); coding-DNA position 4038, G replaced by C.
Protein change: p.Glu1346Asp; replaces glutamic acid 1346 with aspartic acid.
Molecular consequence: missense variant.
Genome position (GRCh38, 1-based): chr2:50,053,361, C>G on the plus strand (G>C on the coding strand, the complement: NRXN1 is on the minus strand). VCF-style: chr2-50053361-C-G. GRCh37 (hg19) VCF-style: chr2-50280499-C-G.
Other names: c.4158G>C, p.Glu1386Asp (NM_001135659.3); c.4014G>C, p.Glu1338Asp (NM_001330077.2, NM_001330082.2); c.3882G>C, p.Glu1294Asp (NM_001330083.2); c.3972G>C, p.Glu1324Asp (NM_001330084.2); c.4011G>C, p.Glu1337Asp (NM_001330085.2); c.4038G>C, p.Glu1346Asp (NM_001330086.2); c.3837G>C, p.Glu1279Asp (NM_001330087.2, NM_001330096.2); c.3867G>C, p.Glu1289Asp (NM_001330088.2); and 6 more; short protein forms E1338D, E1345D, E1346D, E1324D, E1337D, E1386D, E1294D, E1316D.
Identifiers: ClinVar variation 1419676 (VCV001419676.6), dbSNP rs2152626305, ClinGen allele CA346819523.
Genomic context (GRCh38, chr2:50,053,361, plus strand): 5'-TCCTCTTCTGGCTGTGCTAGTAGCCAGGGTCGTGGTAGTCTCCATAATTGATGTGGACAT[C>G]TCTGATTGCATGGCAGTGGCTGTTGACTCAGTTGTCATAGAGGAAGGCACTTCACCAACC-3'
Protein context (NP_001317007.1, residues 1336-1356): TESTATAMQS[Glu1346Asp]MSTSIMETTT

ClinVar aggregate classification (germline): Uncertain significance (1 of 4 stars; one submission).

Conditions:
Pitt-Hopkins-like syndrome 2 (PTHSL2). Identifiers: Orphanet 221150, Orphanet 600663, MedGen C3280479, MONDO:0013690, OMIM 614325.

gnomAD v4.1: 11 of 1,614,002 alleles (0.00068%); highest among the groups gnomAD compares: South Asian, 0.0011%; no homozygotes.

Submission:

Labcorp Genetics (formerly Invitae), Labcorp
Classification: Uncertain significance for Pitt-Hopkins-like syndrome 2. Last evaluated: 2025-06-30. Review status: criteria provided, single submitter. Criteria: Invitae Variant Classification Sherloc (09022015). Collection method: clinical testing. Allele origin: germline.
Comment: This sequence change replaces glutamic acid, which is acidic and polar, with aspartic acid, which is acidic and polar, at codon 1386 of the NRXN1 protein (p.Glu1386Asp). This variant is not present in population databases (gnomAD no frequency). This variant has not been reported in the literature in individuals affected with NRXN1-related conditions. ClinVar contains an entry for this variant (Variation ID: 1419676). Invitae Evidence Modeling of protein sequence and biophysical properties (such as structural, functional, and spatial information, amino acid conservation, physicochemical variation, residue mobility, and thermodynamic stability) indicates that this missense variant is not expected to disrupt NRXN1 protein function with a negative predictive value of 80%. In summary, the available evidence is currently insufficient to determine the role of this variant in disease. Therefore, it has been classified as a Variant of Uncertain Significance.